The following is an entry in ClinVar:

NM_002016.2(FLG):c.4890C>T (p.Ser1630=)

Genes: CCDST (cervical cancer associated DHX9 suppressive transcript; plus strand), FLG (filaggrin; minus strand). Cytogenetic location: 1q21.3.
Variant type: single nucleotide variant.
Coding change: c.4890C>T on transcript NM_002016.2 (MANE Select); coding-DNA position 4890, C replaced by T.
Protein change: p.Ser1630=; no amino-acid change (serine 1630 retained).
Molecular consequence: synonymous variant.
Genome position (GRCh38, 1-based): chr1:152,309,996, G>A on the plus strand (C>T on the coding strand, the complement: FLG is on the minus strand). VCF-style: chr1-152309996-G-A. GRCh37 (hg19) VCF-style: chr1-152282472-G-A.
Identifiers: ClinVar variation 4280983 (VCV004280983.8).

ClinVar aggregate classification (germline): Benign/Likely benign. Review status: criteria provided, multiple submitters, no conflicts (2 of 4 stars). 2 submissions from 2 submitters: Benign (1); Likely benign (1). Last evaluated 2025-09-01.

gnomAD v4.1: 999 of 1,613,950 alleles (0.062%); highest among the groups gnomAD compares: South Asian, 1%; 15 homozygotes.

Submissions (2):

CeGaT Center for Human Genetics Tuebingen
Classification: Benign. Last evaluated: 2025-09-01. Review status: criteria provided, single submitter. Criteria: CeGaT Center For Human Genetics Tuebingen Variant Classification Criteria Version 2. Collection method: clinical testing. Allele origin: germline. Affected: yes. Observed: 1 variant allele.
Comment: FLG: BP4, BP7, BS1, BS2

Blueprint Genetics
Classification: Likely benign. Last evaluated: 2024-10-09. Review status: criteria provided, single submitter. Criteria: ACMG Guidelines, 2015. Collection method: clinical testing. Allele origin: germline.